The following is an entry in ClinVar:

NM_004526.4(MCM2):c.2428G>A (p.Val810Ile)

Genes: MCM2 (minichromosome maintenance complex component 2; plus strand), LOC107986126 (uncharacterized LOC107986126; minus strand). Cytogenetic location: 3q21.3.
Variant type: single nucleotide variant.
Coding change: c.2428G>A on transcript NM_004526.4 (MANE Select); coding-DNA position 2428, G replaced by A.
Protein change: p.Val810Ile; replaces valine 810 with isoleucine.
Molecular consequence: missense variant. On other transcripts: non-coding transcript variant (1).
Genome position (GRCh38, 1-based): chr3:127,620,860, G>A. VCF-style: chr3-127620860-G-A. GRCh37 (hg19) VCF-style: chr3-127339703-G-A.
Other names: c.2428G>A (NM_004526.2); short protein forms V810I.
Identifiers: ClinVar variation 1317673 (VCV001317673.10), dbSNP rs140928153, ClinGen allele CA2596221.

ClinVar aggregate classification (germline): Conflicting classifications of pathogenicity. Review status: criteria provided, conflicting classifications (1 of 4 stars). 5 submissions from 5 submitters: Uncertain significance (3); Likely benign (2). Last evaluated 2026-02-04.

Allele frequency attached by ClinVar (database versions not stated): gnomAD 0.00004; TOPMed 0.00006; gnomAD exomes 0.00008; ExAC 0.00009; ESP Exome Variant Server 0.00023.
gnomAD v4.1: 93 of 1,609,568 alleles (0.0058%); highest among the groups gnomAD compares: Middle Eastern, 0.13%; no homozygotes.

Submissions (5):

Women's Health and Genetics/Laboratory Corporation of America, LabCorp
Classification: Uncertain significance. Last evaluated: 2026-02-04. Review status: criteria provided, single submitter. Criteria: LabCorp Variant Classification Summary - May 2015. Collection method: clinical testing. Allele origin: germline.
Comment: Variant summary: MCM2 c.2428G>A (p.Val810Ile) results in a conservative amino acid change in the encoded protein sequence. Algorithms developed to predict the effect of missense changes on protein structure and function are either unavailable or do not agree on the potential impact of this missense change. The variant allele was found at a frequency of 7.6e-05 in 248668 control chromosomes. This frequency is not significantly higher than estimated for disease-causing variants in MCM2, allowing no conclusion about variant significance. c.2428G>A has been observed in individual(s) affected with hearing loss (example: Imizcoz_2023). These report(s) do not provide unequivocal conclusions about association of the variant with Autosomal dominant nonsyndromic hearing loss 70. To our knowledge, no experimental evidence demonstrating an impact on protein function has been reported. The following publication has been ascertained in the context of this evaluation (PMID: 37811145). ClinVar contains an entry for this variant (Variation ID: 1317673). Based on the evidence outlined above, the variant was classified as uncertain significance.

Ambry Genetics
Classification: Uncertain significance. Last evaluated: 2025-02-19. Review status: criteria provided, single submitter. Criteria: Ambry Variant Classification Scheme 2023. Collection method: clinical testing. Allele origin: germline.

Blueprint Genetics
Classification: Likely benign. Last evaluated: 2024-07-23. Review status: criteria provided, single submitter. Criteria: ACMG Guidelines, 2015. Collection method: clinical testing. Allele origin: germline.

Labcorp Genetics (formerly Invitae), Labcorp
Classification: Uncertain significance. Last evaluated: 2024-03-07. Review status: criteria provided, single submitter. Criteria: Invitae Variant Classification Sherloc (09022015). Collection method: clinical testing. Allele origin: germline.
Comment: This sequence change replaces valine, which is neutral and non-polar, with isoleucine, which is neutral and non-polar, at codon 810 of the MCM2 protein (p.Val810Ile). This variant is present in population databases (rs140928153, gnomAD 0.01%). This variant has not been reported in the literature in individuals affected with MCM2-related conditions. ClinVar contains an entry for this variant (Variation ID: 1317673). Advanced modeling of protein sequence and biophysical properties (such as structural, functional, and spatial information, amino acid conservation, physicochemical variation, residue mobility, and thermodynamic stability) performed at Invitae indicates that this missense variant is not expected to disrupt MCM2 protein function with a negative predictive value of 80%. In summary, the available evidence is currently insufficient to determine the role of this variant in disease. Therefore, it has been classified as a Variant of Uncertain Significance.

GeneDx
Classification: Likely benign. Last evaluated: 2020-09-29. Review status: criteria provided, single submitter. Criteria: GeneDx Variant Classification Process June 2021. Collection method: clinical testing. Allele origin: germline. Affected: yes.

Literature cited by the submitters: PubMed 37811145 (cited by Women's Health and Genetics/Laboratory Corporation of America, LabCorp).